The following is an entry in ClinVar:

NM_001035.3(RYR2):c.4848C>T (p.Gly1616=)

Gene: RYR2 (ryanodine receptor 2; plus strand). Cytogenetic location: 1q43.
Variant type: single nucleotide variant.
Coding change: c.4848C>T on transcript NM_001035.3 (MANE Select); coding-DNA position 4848, C replaced by T.
Protein change: p.Gly1616=; no amino-acid change (glycine 1616 retained).
Molecular consequence: synonymous variant.
Genome position (GRCh38, 1-based): chr1:237,610,926, C>T. VCF-style: chr1-237610926-C-T. GRCh37 (hg19) VCF-style: chr1-237774226-C-T.
Identifiers: ClinVar variation 1405354 (VCV001405354.9), dbSNP rs1308711902, ClinGen allele CA424031041.
Genomic context (GRCh38, chr1:237,610,926, plus strand): 5'-GAGCAGAATGCCCAACCAGTTTTTGAAGGTAGATGTGTCTCGAATAAGTGAACGCCAAGG[C>T]TGGTTGGTGCAGTGTTTGGATCCTCTGCAGTTCATGTCTCTTCATATCCCTGAGGAAAAC-3'
Protein context (NP_001026.2, residues 1606-1626): VDVSRISERQ[Gly1616=]WLVQCLDPLQ

ClinVar aggregate classification (germline): Uncertain significance (1 of 4 stars; one submission).

Conditions:
Catecholaminergic polymorphic ventricular tachycardia 1. Also called: VENTRICULAR TACHYCARDIA, STRESS-INDUCED POLYMORPHIC 1; VENTRICULAR TACHYCARDIA, CATECHOLAMINERGIC POLYMORPHIC, 1, WITH OR WITHOUT ATRIAL DYSFUNCTION AND/OR DILATED CARDIOMYOPATHY; RYR2-Related Catecholaminergic Polymorphic Ventricular Tachycardia. Identifiers: Orphanet 3286, MedGen C1631597, MONDO:0011484, OMIM 604772.

gnomAD v4.1: 1 of 1,613,474 alleles (0.000062%); highest among the groups gnomAD compares: Admixed American, 0.0017%; no homozygotes.

Submission:

Labcorp Genetics (formerly Invitae), Labcorp
Classification: Uncertain significance for Catecholaminergic polymorphic ventricular tachycardia 1. Last evaluated: 2021-03-27. Review status: criteria provided, single submitter. Criteria: Invitae Variant Classification Sherloc (09022015). Collection method: clinical testing. Allele origin: germline.
Comment: This variant has not been reported in the literature in individuals with RYR2-related conditions. This variant is not present in population databases (ExAC no frequency). This sequence change affects codon 1616 of the RYR2 mRNA. It is a 'silent' change, meaning that it does not change the encoded amino acid sequence of the RYR2 protein. Algorithms developed to predict the effect of sequence changes on RNA splicing suggest that this variant may create or strengthen a splice site, but this prediction has not been confirmed by published transcriptional studies. In summary, the available evidence is currently insufficient to determine the role of this variant in disease. Therefore, it has been classified as a Variant of Uncertain Significance.